The following is an entry in ClinVar:

ClinVar aggregate classification (germline): Uncertain significance (1 of 4 stars; one submission).

Conditions:
Familial Mediterranean fever (FMF). Also called: POLYSEROSITIS, FAMILIAL PAROXYSMAL; POLYSEROSITIS, RECURRENT; Periodic peritonitis; Benign paroxysmal peritonitis. Identifiers: Orphanet 342, MedGen C0031069, MONDO:0018088, OMIM 249100. Disease mechanism: gain of function.

Allele frequency attached by ClinVar (database versions not stated): TOPMed below 0.00001; gnomAD exomes below 0.00001.

Submission:

Labcorp Genetics (formerly Invitae), Labcorp
Classification: Uncertain significance for Familial Mediterranean fever. Last evaluated: 2021-09-01. Review status: criteria provided, single submitter. Criteria: Invitae Variant Classification Sherloc (09022015). Collection method: clinical testing. Allele origin: germline.
Comment: This sequence change replaces glutamic acid with lysine at codon 264 of the MEFV protein (p.Glu264Lys). The glutamic acid residue is moderately conserved and there is a small physicochemical difference between glutamic acid and lysine. This variant is not present in population databases (ExAC no frequency). This variant has not been reported in the literature in individuals affected with MEFV-related conditions. Algorithms developed to predict the effect of missense changes on protein structure and function are either unavailable or do not agree on the potential impact of this missense change (SIFT: "Deleterious"; PolyPhen-2: "Benign"; Align-GVGD: "Class C0"). In summary, the available evidence is currently insufficient to determine the role of this variant in disease. Therefore, it has been classified as a Variant of Uncertain Significance.

NM_000243.3(MEFV):c.790G>A (p.Glu264Lys)

Gene: MEFV (MEFV innate immunity regulator, pyrin; minus strand). Cytogenetic location: 16p13.3.
Variant type: single nucleotide variant.
Coding change: c.790G>A on transcript NM_000243.3 (MANE Select); coding-DNA position 790, G replaced by A.
Protein change: p.Glu264Lys; replaces glutamic acid 264 with lysine.
Molecular consequence: missense variant. On other transcripts: intron variant (1).
Genome position (GRCh38, 1-based): chr16:3,254,278, C>T on the plus strand (G>A on the coding strand, the complement: MEFV is on the minus strand). VCF-style: chr16-3254278-C-T. GRCh37 (hg19) VCF-style: chr16-3304278-C-T.
Other names: c.277+2033G>A (NM_001198536.2); short protein forms E264K.
Identifiers: ClinVar variation 1502875 (VCV001502875.5), dbSNP rs1332262848, ClinGen allele CA394477512.